The following is an entry in ClinVar:

ClinVar aggregate classification (germline): Uncertain significance (1 of 4 stars; one submission).

gnomAD v4.1: 2 of 1,612,772 alleles (0.00012%); no homozygotes.

Submission:

Labcorp Genetics (formerly Invitae), Labcorp
Classification: Uncertain significance. Last evaluated: 2023-08-30. Review status: criteria provided, single submitter. Criteria: Invitae Variant Classification Sherloc (09022015). Collection method: clinical testing. Allele origin: germline.
Comment: In summary, the available evidence is currently insufficient to determine the role of this variant in disease. Therefore, it has been classified as a Variant of Uncertain Significance. Algorithms developed to predict the effect of missense changes on protein structure and function output the following: SIFT: "Not Available"; PolyPhen-2: "Benign"; Align-GVGD: "Not Available". The leucine amino acid residue is found in multiple mammalian species, which suggests that this missense change does not adversely affect protein function. ClinVar contains an entry for this variant (Variation ID: 1353811). This variant has not been reported in the literature in individuals affected with WDR62-related conditions. This variant is present in population databases (no rsID available, gnomAD 0.006%). This sequence change replaces valine, which is neutral and non-polar, with leucine, which is neutral and non-polar, at codon 1472 of the WDR62 protein (p.Val1472Leu).

NM_001083961.2(WDR62):c.4414G>C (p.Val1472Leu)

Gene: WDR62 (WD repeat domain 62; plus strand). Cytogenetic location: 19q13.12.
Variant type: single nucleotide variant.
Coding change: c.4414G>C on transcript NM_001083961.2 (MANE Select); coding-DNA position 4414, G replaced by C.
Protein change: p.Val1472Leu; replaces valine 1472 with leucine.
Molecular consequence: missense variant.
Genome position (GRCh38, 1-based): chr19:36,104,870, G>C. VCF-style: chr19-36104870-G-C. GRCh37 (hg19) VCF-style: chr19-36595772-G-C.
Other names: c.4399G>C, p.Val1467Leu (NM_173636.5); short protein forms V1467L, V1472L.
Identifiers: ClinVar variation 1353811 (VCV001353811.8), dbSNP rs944123844, ClinGen allele CA405462710.